The following is an entry in ClinVar:

NM_000051.4(ATM):c.7570G>T (p.Ala2524Ser)

Genes: ATM (ATM serine/threonine kinase; plus strand), C11orf65 (chromosome 11 open reading frame 65; minus strand). Cytogenetic location: 11q22.3.
Variant type: single nucleotide variant.
Coding change: c.7570G>T on transcript NM_000051.4 (MANE Select); coding-DNA position 7570, G replaced by T.
Protein change: p.Ala2524Ser; replaces alanine 2524 with serine.
Molecular consequence: missense variant. On other transcripts: non-coding transcript variant (1), intron variant (2).
Genome position (GRCh38, 1-based): chr11:108,331,498, G>T. VCF-style: chr11-108331498-G-T. GRCh37 (hg19) VCF-style: chr11-108202225-G-T.
Other names: c.7570G>T, p.Ala2524Ser (NM_001351834.2); c.641-22427C>A (NM_001330368.2); c.*38+3722C>A (NM_001351110.2); short protein forms A2524S.
Identifiers: ClinVar variation 579073 (VCV000579073.18), dbSNP rs769142993, ClinGen allele CA382560749.

ClinVar aggregate classification (germline): Conflicting classifications of pathogenicity. Review status: criteria provided, conflicting classifications (1 of 4 stars). 4 submissions from 4 submitters: Uncertain significance (3); Likely benign (1). Last evaluated 2022-09-06.

Conditions:
Hereditary cancer-predisposing syndrome. Also called: Hereditary Cancer Syndrome; Neoplastic Syndromes, Hereditary; Tumor predisposition; Hereditary neoplastic syndrome. Identifiers: Orphanet 140162, MedGen C0027672, MeSH D009386, MONDO:0015356.
Ataxia-telangiectasia syndrome (AT). Also called: Cerebello-oculocutaneous telangiectasia; Immunodeficiency with ataxia telangiectasia; Ataxia-telangiectasia, complementation group E; Ataxia-telangiectasia, complementation group D; AT, COMPLEMENTATION GROUP C; ATAXIA-TELANGIECTASIA, COMPLEMENTATION GROUP A. Identifiers: Orphanet 100, MedGen C0004135, MONDO:0008840, OMIM 208900.

Submissions (4):

Labcorp Genetics (formerly Invitae), Labcorp
Classification: Uncertain significance for Ataxia-telangiectasia syndrome. Last evaluated: 2022-09-06. Review status: criteria provided, single submitter. Criteria: Invitae Variant Classification Sherloc (09022015). Collection method: clinical testing. Allele origin: germline.
Comment: In summary, the available evidence is currently insufficient to determine the role of this variant in disease. Therefore, it has been classified as a Variant of Uncertain Significance. This variant disrupts the p.Ala2524 amino acid residue in ATM. Other variant(s) that disrupt this residue have been determined to be pathogenic (PMID: 10980530, 11897822, 16914028, 17166884, 22071889). This suggests that this residue is clinically significant, and that variants that disrupt this residue are likely to be disease-causing. Algorithms developed to predict the effect of missense changes on protein structure and function (SIFT, PolyPhen-2, Align-GVGD) all suggest that this variant is likely to be disruptive. ClinVar contains an entry for this variant (Variation ID: 579073). This variant has not been reported in the literature in individuals affected with ATM-related conditions. This variant is not present in population databases (gnomAD no frequency). This sequence change replaces alanine, which is neutral and non-polar, with serine, which is neutral and polar, at codon 2524 of the ATM protein (p.Ala2524Ser).

Color Diagnostics, LLC DBA Color Health
Classification: Uncertain significance for Hereditary cancer-predisposing syndrome. Last evaluated: 2022-08-26. Review status: criteria provided, single submitter. Criteria: ACMG Guidelines, 2015. Collection method: clinical testing. Allele origin: germline.
Comment: This missense variant replaces alanine with serine at codon 2524 of the ATM protein. Computational prediction is inconclusive regarding the impact of this variant on protein structure and function (internally defined REVEL score threshold 0.5 < inconclusive < 0.7, PMID: 27666373). To our knowledge, functional studies have not been reported for this variant. This variant has not been reported in individuals affected with hereditary cancer in the literature. This variant has not been identified in the general population by the Genome Aggregation Database (gnomAD). The available evidence is insufficient to determine the role of this variant in disease conclusively. Therefore, this variant is classified as a Variant of Uncertain Significance.

Ambry Genetics
Classification: Likely benign for Hereditary cancer-predisposing syndrome. Last evaluated: 2021-06-10. Review status: criteria provided, single submitter. Criteria: Ambry Variant Classification Scheme 2023. Collection method: clinical testing. Allele origin: germline.

GeneDx
Classification: Uncertain significance. Last evaluated: 2019-11-01. Review status: criteria provided, single submitter. Criteria: GeneDx Variant Classification Process June 2021. Collection method: clinical testing. Allele origin: germline. Affected: yes.
Comment: Not observed in large population cohorts (Lek 2016); In silico analysis, which includes protein predictors and evolutionary conservation, supports a deleterious effect; Has not been previously published as a pathogenic or benign germline variant to our knowledge; This variant is associated with the following publications: (PMID: 26466571)

Literature cited by the submitters: PubMed 10980530 (cited by Labcorp Genetics (formerly Invitae), Labcorp); PubMed 11897822 (cited by Labcorp Genetics (formerly Invitae), Labcorp); PubMed 16914028 (cited by Labcorp Genetics (formerly Invitae), Labcorp); PubMed 17166884 (cited by Labcorp Genetics (formerly Invitae), Labcorp); PubMed 22071889 (cited by Labcorp Genetics (formerly Invitae), Labcorp).